The following is an entry in ClinVar:

ClinVar aggregate classification (germline): Benign. Review status: criteria provided, multiple submitters, no conflicts (2 of 4 stars). 4 submissions from 4 submitters: Benign (4). Last evaluated 2021-07-10.

Conditions:
Hyperornithinemia-hyperammonemia-homocitrullinuria syndrome (HHHS). Also called: HHH SYNDROME; Ornithine translocase deficiency. Identifiers: Orphanet 415, MedGen C0268540, MONDO:0009393, OMIM 238970.

Allele frequency attached by ClinVar (database versions not stated): 1000 Genomes Project 30x 0.02483; 1000 Genomes Project 0.02636; TOPMed 0.02853; gnomAD 0.03062 and 0.03065; ESP Exome Variant Server 0.03106; ExAC 0.03570; gnomAD exomes 0.03623 and 0.04112.

Submissions (4):

Genome-Nilou Lab
Classification: Benign for Hyperornithinemia-hyperammonemia-homocitrullinuria syndrome. Last evaluated: 2021-07-10. Review status: criteria provided, single submitter. Criteria: ACMG Guidelines, 2015. Collection method: clinical testing. Allele origin: germline. Affected: no.

GeneDx
Classification: Benign. Last evaluated: 2018-06-19. Review status: criteria provided, single submitter. Criteria: GeneDx Variant Classification Process June 2021. Collection method: clinical testing. Allele origin: germline. Affected: yes.

Illumina Laboratory Services, Illumina
Classification: Benign for Hyperornithinemia-hyperammonemia-homocitrullinuria syndrome. Last evaluated: 2018-01-13. Review status: criteria provided, single submitter. Criteria: ICSL Variant Classification Criteria 13 December 2019. Collection method: clinical testing. Allele origin: germline.
Comment: This variant was observed in the ICSL laboratory as part of a predisposition screen in an ostensibly healthy population. It had not been previously curated by ICSL or reported in the Human Gene Mutation Database (HGMD: prior to June 1st, 2018), and was therefore a candidate for classification through an automated scoring system. Utilizing variant allele frequency, disease prevalence and penetrance estimates, and inheritance mode, an automated score was calculated to assess if this variant is too frequent to cause the disease. Based on the score and internal cut-off values, a variant classified as benign is not then subjected to further curation. The score for this variant resulted in a classification of benign for this disease.

Breakthrough Genomics
Classification: Benign. Review status: criteria provided, single submitter. Criteria: ACMG Guidelines, 2015. Collection method: not provided. Allele origin: germline. Inheritance: Autosomal recessive inheritance. Affected: yes.

NM_014252.4(SLC25A15):c.*48T>A

Gene: SLC25A15 (solute carrier family 25 member 15; plus strand). Cytogenetic location: 13q14.11.
Variant type: single nucleotide variant.
Coding change: c.*48T>A on transcript NM_014252.4 (MANE Select); 48 bases downstream of the stop codon, T replaced by A.
Molecular consequence: 3 prime UTR variant.
Genome position (GRCh38, 1-based): chr13:40,809,715, T>A. VCF-style: chr13-40809715-T-A. GRCh37 (hg19) VCF-style: chr13-41383851-T-A.
Identifiers: ClinVar variation 312183 (VCV000312183.10), dbSNP rs145530626, ClinGen allele CA6959858.
Genomic context (GRCh38, chr13:40,809,715, plus strand): 5'-GGAAGCATACTGAAGTGTCTTGGTGGGCCTGAGCCAAGCACAGGTGTTTGAGGACTACAG[T>A]TCATCTCAGGGTTTCTTGGAGTACAAGACCAGTGTGAAGTTATTCTGATTTCTTGGGAAT-3'